The following is an entry in ClinVar:

NM_001148.6(ANK2):c.2475A>G (p.Thr825=)

Gene: ANK2 (ankyrin 2; plus strand). Cytogenetic location: 4q26.
Variant type: single nucleotide variant.
Coding change: c.2475A>G on transcript NM_001148.6 (MANE Select); coding-DNA position 2475, A replaced by G.
Protein change: p.Thr825=; no amino-acid change (threonine 825 retained).
Molecular consequence: synonymous variant.
Genome position (GRCh38, 1-based): chr4:113,293,538, A>G. VCF-style: chr4-113293538-A-G. GRCh37 (hg19) VCF-style: chr4-114214694-A-G.
Other names: c.2520A>G, p.Thr840= (NM_001354230.2, NM_001354231.2, NM_001354237.2 and 5 more transcripts); c.2475A>G, p.Thr825= (NM_001354232.2, NM_001354235.2, NM_001354236.2 and 6 more transcripts); c.2412A>G, p.Thr804= (NM_001354239.2, NM_001354243.2, NM_001354244.2 and 10 more transcripts); c.2376A>G, p.Thr792= (NM_001354245.2, NM_001354268.2); c.2388A>G, p.Thr796= (NM_001354249.2, NM_001354264.2, NM_001354266.2 and 10 more transcripts); c.2313A>G, p.Thr771= (NM_001354253.2, NM_001354257.2, NM_001354270.2 and 1 more transcripts); c.2289A>G, p.Thr763= (NM_001354260.2, NM_001354271.2, NM_001386151.1); c.2433A>G, p.Thr811= (NM_001354261.2, NM_001386147.1, NM_001386160.1); and 9 more.
Identifiers: ClinVar variation 4769639 (VCV004769639.1).
Genomic context (GRCh38, chr4:113,293,538, plus strand): 5'-CTACATCTCCGTGGTCGACACCCTGAAGGTTGTGACTGAGGAGGTCACCACCACCACCAC[A>G]GTGAGTATGAGTGACTGACTAGCTTCAGCCCTGTTATTCTTCGTTTTCAAACTAAATACA-3'
Protein context (NP_001139.3, residues 815-835): VVTEEVTTTT[Thr825=]TITEKHKLNV

ClinVar aggregate classification (germline): Uncertain significance (1 of 4 stars; one submission).

Conditions:
Long QT syndrome (LQTS). Identifiers: MedGen C0023976, MeSH D008133, MONDO:0002442. Disease mechanism: loss of function. Inheritance: Various modes of inheritance.

gnomAD v4.1: 3 of 1,608,336 alleles (0.00019%); highest among the groups gnomAD compares: Non-Finnish European, 0.00026%; no homozygotes.

Submission:

Labcorp Genetics (formerly Invitae), Labcorp
Classification: Uncertain significance for Long QT syndrome. Last evaluated: 2025-12-15. Review status: criteria provided, single submitter. Criteria: Invitae Variant Classification Sherloc (09022015). Collection method: clinical testing. Allele origin: germline.
Comment: This sequence change affects codon 825 of the ANK2 mRNA. It is a 'silent' change, meaning that it does not change the encoded amino acid sequence of the ANK2 protein. It affects a nucleotide within the consensus splice site. This variant is not present in population databases (gnomAD no frequency). This variant has not been reported in the literature in individuals affected with ANK2-related conditions. Algorithms developed to predict the effect of sequence changes on RNA splicing suggest that this variant is not likely to affect RNA splicing. In summary, the available evidence is currently insufficient to determine the role of this variant in disease. Therefore, it has been classified as a Variant of Uncertain Significance.